The following is an entry in ClinVar:

ClinVar aggregate classification (germline): Uncertain significance. Review status: criteria provided, multiple submitters, no conflicts (2 of 4 stars). 2 submissions from 2 submitters: Uncertain significance (2). Last evaluated 2026-07-06.

Conditions:
Hereditary cancer-predisposing syndrome. Also called: Hereditary Cancer Syndrome; Hereditary neoplastic syndrome; Neoplastic Syndromes, Hereditary; Tumor predisposition. Identifiers: Orphanet 140162, MedGen C0027672, MeSH D009386, MONDO:0015356.

Submissions (2):

Ambry Genetics
Classification: Uncertain significance for Hereditary cancer-predisposing syndrome. Last evaluated: 2026-07-06. Review status: criteria provided, single submitter. Criteria: Ambry Variant Classification Scheme 2023. Collection method: clinical testing. Allele origin: germline.
Comment: The p.R286G variant (also known as c.856A>G), located in coding exon 6 of the FH gene, results from an A to G substitution at nucleotide position 856. The arginine at codon 286 is replaced by glycine, an amino acid with dissimilar properties. This amino acid position is conserved. In addition, this alteration is predicted to be deleterious by in silico analysis. Based on the available evidence, the clinical significance of this variant remains unclear.

Labcorp Genetics (formerly Invitae), Labcorp
Classification: Uncertain significance. Last evaluated: 2024-10-16. Review status: criteria provided, single submitter. Criteria: Invitae Variant Classification Sherloc (09022015). Collection method: clinical testing. Allele origin: germline.
Comment: This sequence change replaces arginine, which is basic and polar, with glycine, which is neutral and non-polar, at codon 286 of the FH protein (p.Arg286Gly). This variant is not present in population databases (gnomAD no frequency). This variant has not been reported in the literature in individuals affected with FH-related conditions. Invitae Evidence Modeling of protein sequence and biophysical properties (such as structural, functional, and spatial information, amino acid conservation, physicochemical variation, residue mobility, and thermodynamic stability) indicates that this missense variant is expected to disrupt FH protein function with a positive predictive value of 80%. In summary, the available evidence is currently insufficient to determine the role of this variant in disease. Therefore, it has been classified as a Variant of Uncertain Significance.

NM_000143.4(FH):c.856A>G (p.Arg286Gly)

Gene: FH (fumarate hydratase; minus strand). Cytogenetic location: 1q43.
Variant type: single nucleotide variant.
Coding change: c.856A>G on transcript NM_000143.4 (MANE Select); coding-DNA position 856, A replaced by G.
Protein change: p.Arg286Gly; replaces arginine 286 with glycine.
Molecular consequence: missense variant.
Genome position (GRCh38, 1-based): chr1:241,506,051, T>C on the plus strand (A>G on the coding strand, the complement: FH is on the minus strand). VCF-style: chr1-241506051-T-C. GRCh37 (hg19) VCF-style: chr1-241669351-T-C.
Other names: short protein forms R286G.
Identifiers: ClinVar variation 3014592 (VCV003014592.4), dbSNP rs2527322831, ClinGen allele CA345438886.